The following is an entry in ClinVar:

ClinVar aggregate classification (germline): Benign/Likely benign. Review status: criteria provided, multiple submitters, no conflicts (2 of 4 stars). 13 submissions from 9 submitters: Benign (10); Likely benign (1). 2 of the submissions do not count toward it. Last evaluated 2026-02-04.

Conditions:
Combined PSAP deficiency (PSAPD). Also called: COMBINED SAP DEFICIENCY; PROSAPOSIN DEFICIENCY; Encephalopathy due to prosaposin deficiency. Identifiers: Orphanet 139406, MedGen C2673635, MONDO:0012719, OMIM 611721.
Krabbe disease due to saposin A deficiency. Also called: Saposin A Deficiency; KRABBE DISEASE, ATYPICAL, DUE TO SAPOSIN A DEFICIENCY. Identifiers: Orphanet 487, MedGen C2673266, MONDO:0012720, OMIM 611722.
Sphingolipid activator protein 1 deficiency. Also called: Saposin B Deficiency; METACHROMATIC LEUKODYSTROPHY DUE TO CEREBROSIDE SULFATASE ACTIVATOR DEFICIENCY; Metachromatic leukodystrophy due to saposin B deficiency. Identifiers: Orphanet 512, MedGen C0268262, MONDO:0009590, OMIM 249900.
Gaucher disease due to saposin C deficiency. Also called: Saposin C Deficiency; Atypical Gaucher disease due to saposin C deficiency. Identifiers: Orphanet 309252, Orphanet 355, MedGen C1864651, MONDO:0012517, OMIM 610539.
Metachromatic leukodystrophy (MLD). Also called: CEREBROSIDE SULFATASE DEFICIENCY; ARSA DEFICIENCY; Arylsulfatase A Deficiency; Cerebral sclerosis diffuse metachromatic form; METACHROMATIC LEUKOENCEPHALOPATHY; SULFATIDE LIPIDOSIS. Identifiers: Orphanet 512, MedGen C0023522, MONDO:0018868, OMIM 250100.

Allele frequency attached by ClinVar (database versions not stated): TOPMed 0.16028; 1000 Genomes Project 0.16334; 1000 Genomes Project 30x 0.16334; ESP Exome Variant Server 0.16585; gnomAD 0.16725 and 0.16762; gnomAD exomes 0.17407; ExAC 0.17441.
gnomAD v4.1: 301,198 of 1,613,782 alleles (19%); highest among the groups gnomAD compares: East Asian, 27%; 29,039 homozygotes.

Submissions (28):

Labcorp Genetics (formerly Invitae), Labcorp
Classification: Benign for Sphingolipid activator protein 1 deficiency. Last evaluated: 2026-02-04. Review status: criteria provided, single submitter. Criteria: Invitae Variant Classification Sherloc (09022015). Collection method: clinical testing. Allele origin: germline.

Blueprint Genetics
Classification: Benign. Last evaluated: 2024-11-27. Review status: criteria provided, single submitter. Criteria: ACMG Guidelines, 2015. Collection method: clinical testing. Allele origin: germline.

Genome-Nilou Lab
Classification: Benign for Combined PSAP deficiency. Last evaluated: 2021-07-10. Review status: criteria provided, single submitter. Criteria: ACMG Guidelines, 2015. Collection method: clinical testing. Allele origin: germline. Affected: no.

Genome-Nilou Lab
Classification: Benign for Krabbe disease due to saposin A deficiency. Last evaluated: 2021-07-10. Review status: criteria provided, single submitter. Criteria: ACMG Guidelines, 2015. Collection method: clinical testing. Allele origin: germline. Affected: no.

Genome-Nilou Lab
Classification: Benign for Sphingolipid activator protein 1 deficiency. Last evaluated: 2021-07-10. Review status: criteria provided, single submitter. Criteria: ACMG Guidelines, 2015. Collection method: clinical testing. Allele origin: germline. Affected: no.

Illumina Laboratory Services, Illumina
Classification: Benign for Gaucher disease due to saposin C deficiency. Last evaluated: 2018-01-12. Review status: criteria provided, single submitter. Criteria: ICSL Variant Classification Criteria 13 December 2019. Collection method: clinical testing. Allele origin: germline.
Comment: This variant was observed in the ICSL laboratory as part of a predisposition screen in an ostensibly healthy population. It had not been previously curated by ICSL or reported in the Human Gene Mutation Database (HGMD: prior to June 1st, 2018), and was therefore a candidate for classification through an automated scoring system. Utilizing variant allele frequency, disease prevalence and penetrance estimates, and inheritance mode, an automated score was calculated to assess if this variant is too frequent to cause the disease. Based on the score and internal cut-off values, a variant classified as benign is not then subjected to further curation. The score for this variant resulted in a classification of benign for this disease.

Illumina Laboratory Services, Illumina
Classification: Benign for Krabbe disease due to saposin A deficiency. Last evaluated: 2018-01-12. Review status: criteria provided, single submitter. Criteria: ICSL Variant Classification Criteria 13 December 2019. Collection method: clinical testing. Allele origin: germline.
Comment: the same text as in the submission from Illumina Laboratory Services, Illumina above.

Illumina Laboratory Services, Illumina
Classification: Benign for Sphingolipid activator protein 1 deficiency. Last evaluated: 2018-01-12. Review status: criteria provided, single submitter. Criteria: ICSL Variant Classification Criteria 13 December 2019. Collection method: clinical testing. Allele origin: germline.
Comment: the same text as in the submission from Illumina Laboratory Services, Illumina above.

GeneDx
Classification: Benign. Last evaluated: 2015-03-03. Review status: criteria provided, single submitter. Criteria: GeneDx Variant Classification Process June 2021. Collection method: clinical testing. Allele origin: germline. Affected: yes.

Breakthrough Genomics
Classification: Likely benign. Review status: criteria provided, single submitter. Criteria: ACMG Guidelines, 2015. Collection method: not provided. Allele origin: germline. Inheritance: Autosomal recessive inheritance. Affected: yes.

PreventionGenetics, part of Exact Sciences
Classification: Benign. Review status: criteria provided, single submitter. Criteria: ACMG Guidelines, 2015. Collection method: clinical testing. Allele origin: germline.

Natera, Inc.
Classification: Benign for Metachromatic leukodystrophy. Last evaluated: 2019-11-20. Review status: no assertion criteria provided. Collection method: clinical testing. Allele origin: germline. Not counted in ClinVar's aggregate classification.

Mayo Clinic Laboratories, Mayo Clinic
Classification: Benign. Last evaluated: 2015-10-22. Review status: no assertion criteria provided. Collection method: clinical testing. Allele origin: unknown. Not counted in ClinVar's aggregate classification.

Dr. Peter K. Rogan Lab, Western University
No classification provided (evidence only). Condition: Malignant lymphoma, large B-cell, diffuse. Review status: no classification provided. Collection method: in vitro. Allele origin: not applicable. Functional consequence: retained intron. Not counted in ClinVar's aggregate classification.

Dr. Peter K. Rogan Lab, Western University
No classification provided (evidence only). Condition: Malignant lymphoma, large B-cell, diffuse. Review status: no classification provided. Collection method: in vitro. Allele origin: not applicable. Functional consequence: retained intron. Not counted in ClinVar's aggregate classification.

Dr. Peter K. Rogan Lab, Western University
No classification provided (evidence only). Condition: Malignant lymphoma, large B-cell, diffuse. Review status: no classification provided. Collection method: in vitro. Allele origin: not applicable. Functional consequence: retained intron. Not counted in ClinVar's aggregate classification.

Dr. Peter K. Rogan Lab, Western University
No classification provided (evidence only). Condition: Malignant lymphoma, large B-cell, diffuse. Review status: no classification provided. Collection method: in vitro. Allele origin: not applicable. Functional consequence: retained intron. Not counted in ClinVar's aggregate classification.

Dr. Peter K. Rogan Lab, Western University
No classification provided (evidence only). Condition: Malignant lymphoma, large B-cell, diffuse. Review status: no classification provided. Collection method: in vitro. Allele origin: not applicable. Functional consequence: retained intron. Not counted in ClinVar's aggregate classification.

Dr. Peter K. Rogan Lab, Western University
No classification provided (evidence only). Condition: Malignant lymphoma, large B-cell, diffuse. Review status: no classification provided. Collection method: in vitro. Allele origin: not applicable. Functional consequence: retained intron. Not counted in ClinVar's aggregate classification.

Dr. Peter K. Rogan Lab, Western University
No classification provided (evidence only). Condition: Malignant lymphoma, large B-cell, diffuse. Review status: no classification provided. Collection method: in vitro. Allele origin: not applicable. Functional consequence: retained intron. Not counted in ClinVar's aggregate classification.

Dr. Peter K. Rogan Lab, Western University
No classification provided (evidence only). Condition: Malignant lymphoma, large B-cell, diffuse. Review status: no classification provided. Collection method: in vitro. Allele origin: not applicable. Functional consequence: retained intron. Not counted in ClinVar's aggregate classification.

Dr. Peter K. Rogan Lab, Western University
No classification provided (evidence only). Condition: Uterine carcinosarcoma. Review status: no classification provided. Collection method: in vitro. Allele origin: not applicable. Functional consequence: retained intron. Not counted in ClinVar's aggregate classification.

Dr. Peter K. Rogan Lab, Western University
No classification provided (evidence only). Condition: Uterine carcinosarcoma. Review status: no classification provided. Collection method: in vitro. Allele origin: not applicable. Functional consequence: retained intron. Not counted in ClinVar's aggregate classification.

Dr. Peter K. Rogan Lab, Western University
No classification provided (evidence only). Condition: Uterine carcinosarcoma. Review status: no classification provided. Collection method: in vitro. Allele origin: not applicable. Functional consequence: retained intron. Not counted in ClinVar's aggregate classification.

Dr. Peter K. Rogan Lab, Western University
No classification provided (evidence only). Condition: Uterine carcinosarcoma. Review status: no classification provided. Collection method: in vitro. Allele origin: not applicable. Functional consequence: retained intron. Not counted in ClinVar's aggregate classification.

Dr. Peter K. Rogan Lab, Western University
No classification provided (evidence only). Condition: Uterine carcinosarcoma. Review status: no classification provided. Collection method: in vitro. Allele origin: not applicable. Functional consequence: retained intron. Not counted in ClinVar's aggregate classification.

Dr. Peter K. Rogan Lab, Western University
No classification provided (evidence only). Condition: Uterine carcinosarcoma. Review status: no classification provided. Collection method: in vitro. Allele origin: not applicable. Functional consequence: retained intron. Not counted in ClinVar's aggregate classification.

Dr. Peter K. Rogan Lab, Western University
No classification provided (evidence only). Condition: Uterine carcinosarcoma. Review status: no classification provided. Collection method: in vitro. Allele origin: not applicable. Functional consequence: retained intron. Not counted in ClinVar's aggregate classification.

NM_002778.4(PSAP):c.1350+5G>A

Gene: PSAP (prosaposin; minus strand). Cytogenetic location: 10q22.1.
Variant type: single nucleotide variant.
Coding change: c.1350+5G>A on transcript NM_002778.4 (MANE Select); 5 bases into the intron after coding-DNA position 1350, G replaced by A.
Molecular consequence: intron variant.
Genome position (GRCh38, 1-based): chr10:71,819,460, C>T on the plus strand (G>A on the coding strand, the complement: PSAP is on the minus strand). VCF-style: chr10-71819460-C-T. GRCh37 (hg19) VCF-style: chr10-73579217-C-T.
Other names: c.1356+5G>A (NM_001042466.3); c.1359+5G>A (NM_001042465.3).
Identifiers: ClinVar variation 258809 (VCV000258809.29), dbSNP rs11000016, ClinGen allele CA5547393.